The following is an entry in ClinVar:

ClinVar aggregate classification (germline): Uncertain significance. Review status: criteria provided, multiple submitters, no conflicts (2 of 4 stars). 4 submissions from 4 submitters: Uncertain significance (3). 1 of the submissions does not count toward it. Last evaluated 2025-12-30.

Conditions:
Polycystic kidney disease. Also called: Kidney, Polycystic; Polycystic kidney dysplasia. Identifiers: MedGen C0022680, MeSH D007690, MONDO:0020642, HP:0000113.
PKD1-related disorder. Also called: PKD1-related condition.

Allele frequency attached by ClinVar (database versions not stated): 1000 Genomes Project 30x 0.00016; ExAC 0.00017; 1000 Genomes Project 0.00020; gnomAD exomes 0.00021; ESP Exome Variant Server 0.00027; gnomAD 0.00028 and 0.00029; TOPMed 0.00029.
gnomAD v4.1: 565 of 1,599,264 alleles (0.035%); highest among the groups gnomAD compares: Non-Finnish European, 0.044%; 1 homozygote.

Submissions (4):

PreventionGenetics, part of Exact Sciences
Classification: Uncertain significance for PKD1-related condition. Last evaluated: 2025-12-30. Review status: criteria provided, single submitter. Criteria: ACMG Guidelines, 2015. Collection method: clinical testing. Allele origin: germline.
Comment: The PKD1 c.8618C>T variant is predicted to result in the amino acid substitution p.Thr2873Ile. This variant was reported in an individual with early onset polycystic kidney disease, however, the individual also had an additional PKD1 variant in cis, as well as a de novo pathogenic variant in PKD1 (Durkie et al. 2021. PubMed ID: 33168999). This variant is reported in 0.069% of alleles in individuals of Ashkenazi Jewish descent in gnomAD. Although we suspect this variant may be benign, at this time, the clinical significance of this variant is uncertain due to the absence of conclusive functional and genetic evidence.

Women's Health and Genetics/Laboratory Corporation of America, LabCorp
Classification: Uncertain significance. Last evaluated: 2025-11-12. Review status: criteria provided, single submitter. Criteria: LabCorp Variant Classification Summary - May 2015. Collection method: clinical testing. Allele origin: germline.
Comment: Variant summary: PKD1 c.8618C>T (p.Thr2873Ile) results in a non-conservative amino acid change in the encoded protein sequence. Algorithms developed to predict the effect of missense changes on protein structure and function are either unavailable or do not agree on the potential impact of this missense change. The variant allele was found at a frequency of 0.00035 in 1599264 control chromosomes in the gnomAD database, including 1 homozygote. This frequency is not significantly higher than estimated for disease-causing variants in PKD1, allowing no conclusion about variant significance. c.8618C>T has been observed phase unknown in at least 1 individual(s) affected with an uncertain severity of polycystic kidney disease (example, Eisenberg_2015) and phase unknown with an apparently de novo truncation in at least 1 individual with clinical features of severe/early onset PKD1-Biallelic Autosomal Recessive Polycystic Kidney Disease (example, Durkie_2021). These data do not allow any conclusion about variant significance. To our knowledge, no experimental evidence demonstrating an impact on protein function has been reported. The following publications have been ascertained in the context of this evaluation (PMID: 25646624, 33168999). ClinVar contains an entry for this variant (Variation ID: 997327). Based on the evidence outlined above, the variant was classified as uncertain significance.

GeneDx
Classification: Uncertain significance. Last evaluated: 2023-10-03. Review status: criteria provided, single submitter. Criteria: GeneDx Variant Classification Process June 2021. Collection method: clinical testing. Allele origin: germline. Affected: yes.
Comment: Observed with additional PKD1 variants in a patient with early-onset kidney disease (Durkie et al., 2021); of note, this patient carried two paternally inherited variants, including T2873I, and a third de novo variant; In silico analysis, which includes protein predictors and evolutionary conservation, supports a deleterious effect; This variant is associated with the following publications: (PMID: 33168999)

Department of Pathology and Laboratory Medicine, Sinai Health System
Classification: Likely benign for Polycystic Kidney disease. Review status: no assertion criteria provided. Collection method: clinical testing. Allele origin: unknown. Affected: yes. Study: The Canadian Open Genetics Repository (COGR). Not counted in ClinVar's aggregate classification.
Comment: The PKD1 p.Thr2873Ile variant was identified in 1 of 110 proband chromosomes (frequency: 0.009) in a study of NGS sequencing of PKD genes, the phenotype of the patients was not provided (Eisenberger 2015). The variant was also identified in dbSNP (ID: rs148378229) as â€šÃ„ÃºNAâ€šÃ„Ã¹, the 1000 Genomes Project in 1 of 5000 chromosomes (freq. 0.0002), NHLBI GO Exome Sequencing Project in 3 of 7450 European American alleles (freq. 0.003), and in the Exome Aggregation Consortium database (August 8, 2016) in 19 of 60582 chromosomes (freq. 0.0002) in the European (Non-Finnish) population, but was not seen in African, East Asian, Finnish, Latino, or South Asian populations, increasing the likelihood that this may be a low frequency benign variant in certain populations of origin. The variant was not identified in Clinvitae, ClinVar, GeneInsight COGR, MutDB, ADPKD Mutation Database, PKD1-LOVD, and PKD1-LOVD 3.0. The p.Thr2873 residue is not conserved in mammals and computational analyses (PolyPhen-2, SIFT, AlignGVGD, BLOSUM, MutationTaster) provide inconsistent predictions regarding the impact to the protein; this information is not very predictive of pathogenicity. The variant occurs outside of the splicing consensus sequence and in silico or computational prediction software programs (SpliceSiteFinder, MaxEntScan, NNSPLICE, GeneSplicer, HumanSpliceFinder) do not predict a difference in splicing. The variant was identified with a co-occurring pathogenic PKD1 variant p.Leu56ProfsX60, increasing the likelihood that the p.Arg2191His variant does not have clinical significance. In summary, based on the above information, the clinical significance of this variant cannot be determined with certainty at this time but we would lean towards a more benign role for this variant. This variant is classified as likely benign.

Literature cited by the submitters: PubMed 25646624 (cited by Women's Health and Genetics/Laboratory Corporation of America, LabCorp); PubMed 33168999 (cited by Women's Health and Genetics/Laboratory Corporation of America, LabCorp).

NM_001009944.3(PKD1):c.8618C>T (p.Thr2873Ile)

Gene: PKD1 (polycystin 1, transient receptor potential channel interacting; minus strand). Cytogenetic location: 16p13.3.
Variant type: single nucleotide variant.
Coding change: c.8618C>T on transcript NM_001009944.3 (MANE Select); coding-DNA position 8618, C replaced by T.
Protein change: p.Thr2873Ile; replaces threonine 2873 with isoleucine.
Molecular consequence: missense variant.
Genome position (GRCh38, 1-based): chr16:2,103,439, G>A on the plus strand (C>T on the coding strand, the complement: PKD1 is on the minus strand). VCF-style: chr16-2103439-G-A. GRCh37 (hg19) VCF-style: chr16-2153440-G-A.
Other names: c.8618C>T, p.Thr2873Ile (NM_000296.4); short protein forms T2873I.
Identifiers: ClinVar variation 997327 (VCV000997327.6), dbSNP rs148378229, ClinGen allele CA7830449.